The following is an entry in ClinVar:

ClinVar aggregate classification (germline): Uncertain significance (1 of 4 stars; one submission).

gnomAD v4.1: 1 of 1,614,188 alleles (0.000062%); no homozygotes.

Submission:

Labcorp Genetics (formerly Invitae), Labcorp
Classification: Uncertain significance. Last evaluated: 2025-05-22. Review status: criteria provided, single submitter. Criteria: Invitae Variant Classification Sherloc (09022015). Collection method: clinical testing. Allele origin: germline.
Comment: This sequence change replaces leucine, which is neutral and non-polar, with valine, which is neutral and non-polar, at codon 426 of the DSCAML1 protein (p.Leu426Val). This variant is not present in population databases (gnomAD no frequency). This variant has not been reported in the literature in individuals affected with DSCAML1-related conditions. An algorithm developed to predict the effect of missense changes on protein structure and function (PolyPhen-2) suggests that this variant is likely to be tolerated. In summary, the available evidence is currently insufficient to determine the role of this variant in disease. Therefore, it has been classified as a Variant of Uncertain Significance.

NM_020693.4(DSCAML1):c.1096C>G (p.Leu366Val)

Gene: DSCAML1 (DS cell adhesion molecule like 1; minus strand). Cytogenetic location: 11q23.3.
Variant type: single nucleotide variant.
Coding change: c.1096C>G on transcript NM_020693.4 (MANE Select); coding-DNA position 1096, C replaced by G.
Protein change: p.Leu366Val; replaces leucine 366 with valine.
Molecular consequence: missense variant.
Genome position (GRCh38, 1-based): chr11:117,521,247, G>C on the plus strand (C>G on the coding strand, the complement: DSCAML1 is on the minus strand). VCF-style: chr11-117521247-G-C. GRCh37 (hg19) VCF-style: chr11-117391962-G-C.
Other names: c.1096C>G, p.Leu366Val (NM_001367904.1); c.688C>G, p.Leu230Val (NM_001367905.1); short protein forms L366V, L230V.
Identifiers: ClinVar variation 4691268 (VCV004691268.1).
Genomic context (GRCh38, chr11:117,521,247, plus strand): 5'-ACTGGTAGGCCCCGGAATGGCTCTTCTGGGCCGAGGTGATGAGCAGCGTCTCGTTGCTGA[G>C]CCCGCGGATGGAGATGGCCTCGTCAGGCAGCACCAGCTCCGTGTTGCGATACCAGCGGAT-3'
Protein context (NP_065744.3, residues 356-376): LPDEAISIRG[Leu366Val]SNETLLITSA